The following is an entry in ClinVar:

ClinVar aggregate classification (germline): Uncertain significance. Review status: criteria provided, multiple submitters, no conflicts (2 of 4 stars). 3 submissions from 3 submitters: Uncertain significance (3). Last evaluated 2024-06-16.

Conditions:
Inborn genetic diseases. Identifiers: MedGen C0950123, MeSH D030342.

Allele frequency attached by ClinVar (database versions not stated): gnomAD exomes 0.00001.
gnomAD v4.1: 9 of 1,603,324 alleles (0.00056%); highest among the groups gnomAD compares: South Asian, 0.0079%; no homozygotes.

Submissions (3):

Ambry Genetics
Classification: Uncertain significance for Inborn genetic diseases. Last evaluated: 2024-06-16. Review status: criteria provided, single submitter. Criteria: Ambry Variant Classification Scheme 2023. Collection method: clinical testing. Allele origin: germline.

Labcorp Genetics (formerly Invitae), Labcorp
Classification: Uncertain significance. Last evaluated: 2024-03-04. Review status: criteria provided, single submitter. Criteria: Invitae Variant Classification Sherloc (09022015). Collection method: clinical testing. Allele origin: germline.
Comment: This sequence change replaces valine, which is neutral and non-polar, with leucine, which is neutral and non-polar, at codon 221 of the CWC27 protein (p.Val221Leu). This variant is present in population databases (no rsID available, gnomAD 0.003%). This variant has not been reported in the literature in individuals affected with CWC27-related conditions. ClinVar contains an entry for this variant (Variation ID: 1517296). An algorithm developed to predict the effect of missense changes on protein structure and function (PolyPhen-2) suggests that this variant is likely to be tolerated. In summary, the available evidence is currently insufficient to determine the role of this variant in disease. Therefore, it has been classified as a Variant of Uncertain Significance.

Blueprint Genetics
Classification: Uncertain significance. Last evaluated: 2019-03-29. Review status: criteria provided, single submitter. Criteria: ACMG Guidelines, 2015. Collection method: clinical testing. Allele origin: germline.

NM_005869.4(CWC27):c.661G>C (p.Val221Leu)

Gene: CWC27 (CWC27 spliceosome associated cyclophilin; plus strand). Cytogenetic location: 5q12.3.
Variant type: single nucleotide variant.
Coding change: c.661G>C on transcript NM_005869.4 (MANE Select); coding-DNA position 661, G replaced by C.
Protein change: p.Val221Leu; replaces valine 221 with leucine.
Molecular consequence: missense variant.
Genome position (GRCh38, 1-based): chr5:64,789,012, G>C. VCF-style: chr5-64789012-G-C. GRCh37 (hg19) VCF-style: chr5-64084839-G-C.
Other names: c.661G>C (NM_005869.2); c.661G>C, p.Val221Leu (NM_001297644.1, NM_001297645.2, NM_001318000.2 and 1 more transcripts); short protein forms V221L.
Identifiers: ClinVar variation 1517296 (VCV001517296.7), dbSNP rs1349372664, ClinGen allele CA359847728.